The following is an entry in ClinVar:

NM_001372123.1(IKZF5):c.1068G>A (p.Pro356=)

Gene: IKZF5 (IKAROS family zinc finger 5; minus strand). Cytogenetic location: 10q26.13.
Variant type: single nucleotide variant.
Coding change: c.1068G>A on transcript NM_001372123.1 (MANE Select); coding-DNA position 1068, G replaced by A.
Protein change: p.Pro356=; no amino-acid change (proline 356 retained).
Molecular consequence: synonymous variant.
Genome position (GRCh38, 1-based): chr10:122,993,972, C>T on the plus strand (G>A on the coding strand, the complement: IKZF5 is on the minus strand). VCF-style: chr10-122993972-C-T. GRCh37 (hg19) VCF-style: chr10-124753488-C-T.
Other names: p.Pro356=; c.864G>A, p.Pro288= (NM_001372124.1, NM_001372129.1, NM_001372130.1 and 1 more transcripts); c.1068G>A, p.Pro356= (NM_001372125.1, NM_001372126.1, NM_001372127.1 and 2 more transcripts).
Identifiers: ClinVar variation 4683561 (VCV004683561.1).

ClinVar aggregate classification (germline): Likely benign (1 of 4 stars; one submission).

gnomAD v4.1: 50 of 1,613,928 alleles (0.0031%); highest among the groups gnomAD compares: East Asian, 0.0067%; 1 homozygote.

Submission:

Mayo Clinic Laboratories, Mayo Clinic
Classification: Likely benign. Last evaluated: 2025-05-23. Review status: criteria provided, single submitter. Criteria: ACMG Guidelines, 2015. Collection method: clinical testing. Allele origin: germline. Observed: 1 variant allele.
Comment: BP4, BP7